The following is an entry in ClinVar:

ClinVar aggregate classification (germline): Pathogenic (1 of 4 stars; one submission).

Conditions:
Autosomal recessive congenital ichthyosis 1 (LI1). Also called: ICHTHYOSIS, CONGENITAL, AUTOSOMAL RECESSIVE 1, WITH BATHING SUIT DISTRIBUTION; ICHTHYOSIS, CONGENITAL, AUTOSOMAL RECESSIVE 1, WITH OR WITHOUT BATHING SUIT DISTRIBUTION; COLLODION FETUS; DESQUAMATION OF NEWBORN; ICHTHYOSIS CONGENITA; ICHTHYOSIS CONGENITA II. Identifiers: MedGen C4551630, MONDO:0009441, OMIM 242300.

Submission:

Myriad Genetics, Inc.
Classification: Pathogenic for Autosomal recessive congenital ichthyosis 1. Last evaluated: 2025-09-02. Review status: criteria provided, single submitter. Criteria: Myriad Autosomal Dominant, Autosomal Recessive and X-Linked Classification Criteria (2023). Collection method: clinical testing. Allele origin: unknown.
Comment: NM_000359.2(TGM1):c.2260C>T(Q754*) is a nonsense variant classified as pathogenic in the context of TGM1-related autosomal recessive congenital ichthyosis. Q754* has been observed in a case with relevant disease (PMID: 23278109). Relevant functional assessments of this variant are not available in the literature. Q754* has not been observed in referenced population frequency databases. In summary, NM_000359.2(TGM1):c.2260C>T(Q754*) is a nonsense variant in a gene where loss of function is a known mechanism of disease, is predicted to disrupt protein function, and has been observed more frequently in cases with the relevant disease than in healthy populations. Please note: this variant was assessed in the context of healthy population screening.

Literature cited by the submitters: PubMed 23278109.

NM_000359.3(TGM1):c.2260C>T (p.Gln754Ter)

Gene: TGM1 (transglutaminase 1; minus strand). Cytogenetic location: 14q12.
Variant type: single nucleotide variant.
Coding change: c.2260C>T on transcript NM_000359.3 (MANE Select); coding-DNA position 2260, C replaced by T.
Protein change: p.Gln754Ter; replaces glutamine 754 with a stop codon.
Molecular consequence: nonsense.
Genome position (GRCh38, 1-based): chr14:24,249,507, G>A on the plus strand (C>T on the coding strand, the complement: TGM1 is on the minus strand). VCF-style: chr14-24249507-G-A. GRCh37 (hg19) VCF-style: chr14-24718713-G-A.
Other names: short protein forms Q754*.
Identifiers: ClinVar variation 5003252 (VCV005003252.1).
Genomic context (GRCh38, chr14:24,249,507, plus strand): 5'-GTGGGCTGTCCAAGCTGGCAATGAGCTGGCGGGGGCCTGGTCGCACAGGCACAAACGACT[G>A]GCGCAGTGTCACTGTTTCATTGCCTCCAATGTCCCTGTGGGCAGAGACAAGGTCATGGGC-3'